The following is an entry in ClinVar:

ClinVar aggregate classification (germline): Likely benign (1 of 4 stars; one submission).

gnomAD v4.1: 7 of 1,592,272 alleles (0.00044%); highest among the groups gnomAD compares: Admixed American, 0.012%; no homozygotes.

Submission:

CeGaT Center for Human Genetics Tuebingen
Classification: Likely benign. Last evaluated: 2026-07-01. Review status: criteria provided, single submitter. Criteria: CeGaT Center For Human Genetics Tuebingen Variant Classification Criteria Version 2. Collection method: clinical testing. Allele origin: germline. Affected: yes. Observed: 1 variant allele.
Comment: ELP2: BP4, BP7

NM_018255.4(ELP2):c.1470T>C (p.Asp490=)

Gene: ELP2 (elongator acetyltransferase complex subunit 2; plus strand). Cytogenetic location: 18q12.2.
Variant type: single nucleotide variant.
Coding change: c.1470T>C on transcript NM_018255.4 (MANE Select); coding-DNA position 1470, T replaced by C.
Protein change: p.Asp490=; no amino-acid change (aspartic acid 490 retained).
Molecular consequence: synonymous variant. On other transcripts: non-coding transcript variant (4).
Genome position (GRCh38, 1-based): chr18:36,158,840, T>C. VCF-style: chr18-36158840-T-C. GRCh37 (hg19) VCF-style: chr18-33738803-T-C.
Other names: c.1665T>C, p.Asp555= (NM_001242875.3); c.1455T>C, p.Asp485= (NM_001242876.3); c.1392T>C, p.Asp464= (NM_001242877.3); c.1260T>C, p.Asp420= (NM_001242878.3, NM_001242879.3); c.1338T>C, p.Asp446= (NM_001324465.2); c.1587T>C, p.Asp529= (NM_001324466.2); c.1320T>C, p.Asp440= (NM_001324467.2); c.1023T>C, p.Asp341= (NM_001324468.2).
Identifiers: ClinVar variation 5039972 (VCV005039972.1).